The following is an entry in ClinVar:

ClinVar aggregate classification (germline): Uncertain significance (1 of 4 stars; one submission).

Conditions:
Inborn genetic diseases. Identifiers: MedGen C0950123, MeSH D030342.

Submission:

Ambry Genetics
Classification: Uncertain significance for Inborn genetic diseases. Last evaluated: 2025-10-21. Review status: criteria provided, single submitter. Criteria: Ambry Variant Classification Scheme 2023. Collection method: clinical testing. Allele origin: germline.
Comment: The p.E1021G variant (also known as c.3062A>G), located in coding exon 13 of the BMPR2 gene, results from an A to G substitution at nucleotide position 3062. The glutamic acid at codon 1021 is replaced by glycine, an amino acid with similar properties. This amino acid position is conserved. In addition, this alteration is predicted to be tolerated by in silico analysis. Based on the available evidence, the clinical significance of this variant remains unclear.

NM_001204.7(BMPR2):c.3062A>G (p.Glu1021Gly)

Gene: BMPR2 (bone morphogenetic protein receptor type 2; plus strand). Cytogenetic location: 2q33.2.
Variant type: single nucleotide variant.
Coding change: c.3062A>G on transcript NM_001204.7 (MANE Select); coding-DNA position 3062, A replaced by G.
Protein change: p.Glu1021Gly; replaces glutamic acid 1021 with glycine.
Molecular consequence: missense variant.
Genome position (GRCh38, 1-based): chr2:202,559,891, A>G. VCF-style: chr2-202559891-A-G. GRCh37 (hg19) VCF-style: chr2-203424614-A-G.
Other names: short protein forms E1021G.
Identifiers: ClinVar variation 4597388 (VCV004597388.1).